The following is an entry in ClinVar:

NM_138694.4(PKHD1):c.7417del (p.Thr2473fs)

Gene: PKHD1 (PKHD1 ciliary IPT domain containing fibrocystin/polyductin; minus strand). Cytogenetic location: 6p12.2.
Variant type: Deletion.
Coding change: c.7417del on transcript NM_138694.4 (MANE Select); coding-DNA position 7417, one base deleted (A; older notation c.7417delA).
Protein change: p.Thr2473fs; shifts the reading frame from threonine 2473.
Molecular consequence: frameshift variant.
Genome position (GRCh38, 1-based): chr6:51,870,573, T deleted on the plus strand (A on the coding strand, the reverse complement: PKHD1 is on the minus strand); the first of 2 consecutive T bases (chr6:51,870,573-51,870,574); deleting either gives the same sequence. VCF-style (leftmost placement, unchanged base first): chr6-51870572-GT-G. GRCh37 (hg19) VCF-style: chr6-51735370-GT-G.
Other names: c.7417del, p.Thr2473fs (NM_170724.3); short protein forms T2473fs.
Identifiers: ClinVar variation 2001681 (VCV002001681.4), dbSNP rs2536019955, ClinGen allele CA2580075498.

ClinVar aggregate classification (germline): Pathogenic (1 of 4 stars; one submission).

Conditions:
Autosomal recessive polycystic kidney disease (ARPKD). Also called: AR polycystic kidney disease. Identifiers: Orphanet 731, Orphanet 8378, MedGen C0085548, MeSH D017044, MONDO:0009889.

Submission:

Labcorp Genetics (formerly Invitae), Labcorp
Classification: Pathogenic for Autosomal recessive polycystic kidney disease. Last evaluated: 2022-06-01. Review status: criteria provided, single submitter. Criteria: Invitae Variant Classification Sherloc (09022015). Collection method: clinical testing. Allele origin: germline.
Comment: For these reasons, this variant has been classified as Pathogenic. This variant has not been reported in the literature in individuals affected with PKHD1-related conditions. This variant is not present in population databases (gnomAD no frequency). This sequence change creates a premature translational stop signal (p.Thr2473Profs*28) in the PKHD1 gene. It is expected to result in an absent or disrupted protein product. Loss-of-function variants in PKHD1 are known to be pathogenic (PMID: 19940839).

Literature cited by the submitters: PubMed 19940839.